The following is an entry in ClinVar:

NM_000182.5(HADHA):c.302G>T (p.Gly101Val)

Gene: HADHA (hydroxyacyl-CoA dehydrogenase trifunctional multienzyme complex subunit alpha; minus strand). Cytogenetic location: 2p23.3.
Variant type: single nucleotide variant.
Coding change: c.302G>T on transcript NM_000182.5 (MANE Select); coding-DNA position 302, G replaced by T.
Protein change: p.Gly101Val; replaces glycine 101 with valine.
Molecular consequence: missense variant.
Genome position (GRCh38, 1-based): chr2:26,236,867, C>A on the plus strand (G>T on the coding strand, the complement: HADHA is on the minus strand). VCF-style: chr2-26236867-C-A. GRCh37 (hg19) VCF-style: chr2-26459735-C-A.
Other names: short protein forms G101V.
Identifiers: ClinVar variation 3254781 (VCV003254781.1), dbSNP rs2465605084.
Genomic context (GRCh38, chr2:26,236,867, plus strand): 5'-ACACTATTAACCAAGATAAAAGGTGACTTCAAGTTTCCTAAAACTTACTTGATATCAGCA[C>A]CTGCAATAAAGCAGCCTGGCTTTGATGAGATAAGGACGGCACTTCTGATTTGATCACTAG-3'
Protein context (NP_000173.2, residues 91-111): ISSKPGCFIA[Gly101Val]ADINMLAACK

ClinVar aggregate classification (germline): Likely pathogenic (1 of 4 stars; one submission).

Conditions:
Long chain 3-hydroxyacyl-CoA dehydrogenase deficiency. Also called: Deficiency of long-chain 3-hydroxyacyl-coenzyme A dehydrogenase; LCHAD Deficiency. Identifiers: Orphanet 5, MedGen C3711645, MONDO:0012173, OMIM 609016.

Submission:

Victorian Clinical Genetics Services, Murdoch Childrens Research Institute
Classification: Likely pathogenic for Long chain 3-hydroxyacyl-CoA dehydrogenase deficiency. Last evaluated: 2023-07-17. Review status: criteria provided, single submitter. Criteria: ACMG Guidelines, 2015. Collection method: clinical testing. Allele origin: germline. Inheritance: Autosomal recessive inheritance. Affected: yes.
Comment: Based on the classification scheme VCGS_Germline_v1.3.4, this variant is classified as Likely pathogenic. Following criteria are met: 0102 - Loss of function is a known mechanism of disease in this gene and is associated with LCHAD deficiency, (MIM#609016) and mitochondrial trifunctional protein (TFP) deficiency (MIM#609015). (I) 0106 - This gene is associated with autosomal recessive disease. There is currently no genotype-phenotype correlation distinguishing LCHAD and TFP deficiency; enzymatic assay will be required. (I) 0200 - Variant is predicted to result in a missense amino acid change from glycine to valine. (I) 0251 - This variant is heterozygous. (I) 0301 - Variant is absent from gnomAD (both v2 and v3). (SP) 0309 - An alternative amino acid change at the same position has been observed in gnomAD (v3: 1 heterozygote, 0 homozygotes). (I) 0501 - Missense variant consistently predicted to be damaging by multiple in silico tools or highly conserved with a major amino acid change. (SP) 0600 - Variant is located in the annotated Enoyl-CoA hydratase/isomerase domain (DECIPHER). (I) 0705 - No comparable missense variants have previous evidence for pathogenicity. (I) 0807 - This variant has no previous evidence of pathogenicity. (I) 0905 - No published segregation evidence has been identified for this variant. (I) 1007 - No published functional evidence has been identified for this variant. (I) 1102 - Strong phenotype match for this individual. (SP) 1201 - Heterozygous variant detected in trans with a second likely pathogenic heterozygous variant (NM_000182.4(HADHA):c.72delT; p.(Tyr24*)) in a recessive disease. (I) Legend: (SP) - Supporting pathogenic, (I) - Information, (SB) - Supporting benign